The following is an entry in ClinVar:

NM_015978.3(TNNI3K):c.1609A>G (p.Ile537Val)

Genes: FPGT-TNNI3K (FPGT-TNNI3K readthrough; plus strand), TNNI3K (TNNI3 interacting kinase; plus strand). Cytogenetic location: 1p31.1.
Variant type: single nucleotide variant.
Coding change: c.1609A>G on transcript NM_015978.3 (MANE Select); coding-DNA position 1609, A replaced by G.
Protein change: p.Ile537Val; replaces isoleucine 537 with valine.
Molecular consequence: missense variant.
Genome position (GRCh38, 1-based): chr1:74,369,527, A>G. VCF-style: chr1-74369527-A-G. GRCh37 (hg19) VCF-style: chr1-74835211-A-G.
Other names: c.1912A>G, p.Ile638Val (NM_001112808.3, NM_001199327.2); short protein forms I537V, I638V.
Identifiers: ClinVar variation 1502445 (VCV001502445.8), dbSNP rs2100520775, ClinGen allele CA340786349.

ClinVar aggregate classification (germline): Uncertain significance (1 of 4 stars; one submission).

Allele frequency attached by ClinVar (database versions not stated): gnomAD exomes below 0.00001.
gnomAD v4.1: 1 of 1,612,644 alleles (0.000062%); highest among the groups gnomAD compares: Non-Finnish European, 0.000085%; no homozygotes.

Submission:

Labcorp Genetics (formerly Invitae), Labcorp
Classification: Uncertain significance. Last evaluated: 2025-11-18. Review status: criteria provided, single submitter. Criteria: Invitae Variant Classification Sherloc (09022015). Collection method: clinical testing. Allele origin: germline.
Comment: This sequence change replaces isoleucine, which is neutral and non-polar, with valine, which is neutral and non-polar, at codon 537 of the TNNI3K protein (p.Ile537Val). This variant is not present in population databases (gnomAD no frequency). This variant has not been reported in the literature in individuals affected with TNNI3K-related conditions. ClinVar contains an entry for this variant (Variation ID: 1502445). Invitae Evidence Modeling of protein sequence and biophysical properties (such as structural, functional, and spatial information, amino acid conservation, physicochemical variation, residue mobility, and thermodynamic stability) indicates that this missense variant is not expected to disrupt TNNI3K protein function with a negative predictive value of 80%. In summary, the available evidence is currently insufficient to determine the role of this variant in disease. Therefore, it has been classified as a Variant of Uncertain Significance.